The following is an entry in ClinVar:

ClinVar aggregate classification (germline): Pathogenic. Review status: criteria provided, multiple submitters, no conflicts (2 of 4 stars). 5 submissions from 5 submitters: Pathogenic (3). 2 of the submissions do not count toward it. Last evaluated 2025-06-23.

Conditions:
Metachromatic leukodystrophy (MLD). Also called: Cerebral sclerosis diffuse metachromatic form; Arylsulfatase A Deficiency; ARSA DEFICIENCY; CEREBROSIDE SULFATASE DEFICIENCY; METACHROMATIC LEUKOENCEPHALOPATHY; SULFATIDE LIPIDOSIS. Identifiers: Orphanet 512, MedGen C0023522, MONDO:0018868, OMIM 250100.

Submissions (5):

Women's Health and Genetics/Laboratory Corporation of America, LabCorp
Classification: Pathogenic for Metachromatic leukodystrophy. Last evaluated: 2025-06-23. Review status: criteria provided, single submitter. Criteria: LabCorp Variant Classification Summary - May 2015. Collection method: clinical testing. Allele origin: germline.
Comment: Variant summary: ARSA c.622delC (p.His208MetfsX46) results in a premature termination codon, predicted to cause a truncation of the encoded protein or absence of the protein due to nonsense mediated decay, which are commonly known mechanisms for disease. The variant was absent in 250494 control chromosomes. c.622delC has been observed in individual(s) affected with Metachromatic Leukodystrophy (Liaw_2015). These data indicate that the variant may be associated with disease. To our knowledge, no experimental evidence demonstrating an impact on protein function has been reported. The following publication have been ascertained in the context of this evaluation (PMID: 26553228).ClinVar contains an entry for this variant (Variation ID: 556571). Based on the evidence outlined above, the variant was classified as pathogenic.

Fulgent Genetics
Classification: Pathogenic for Metachromatic leukodystrophy. Last evaluated: 2024-03-20. Review status: criteria provided, single submitter. Criteria: ACMG Guidelines, 2015. Collection method: clinical testing. Allele origin: germline.

Labcorp Genetics (formerly Invitae), Labcorp
Classification: Pathogenic for Metachromatic leukodystrophy. Last evaluated: 2023-01-07. Review status: criteria provided, single submitter. Criteria: Invitae Variant Classification Sherloc (09022015). Collection method: clinical testing. Allele origin: germline.
Comment: For these reasons, this variant has been classified as Pathogenic. ClinVar contains an entry for this variant (Variation ID: 556571). This premature translational stop signal has been observed in individual(s) with metachromatic leukodystrophy (PMID: 25297594, 26553228). This variant is not present in population databases (gnomAD no frequency). This sequence change creates a premature translational stop signal (p.His208Metfs*46) in the ARSA gene. It is expected to result in an absent or disrupted protein product. Loss-of-function variants in ARSA are known to be pathogenic (PMID: 8962139, 10477432).

Natera, Inc.
Classification: Pathogenic for Metachromatic leukodystrophy. Last evaluated: 2020-07-24. Review status: no assertion criteria provided. Collection method: clinical testing. Allele origin: germline. Not counted in ClinVar's aggregate classification.

Counsyl
Classification: Likely pathogenic for Metachromatic leukodystrophy. Last evaluated: 2018-02-09. Review status: no assertion criteria provided. Collection method: clinical testing. Allele origin: unknown. Not counted in ClinVar's aggregate classification.

Literature cited by the submitters: PubMed 26553228 (cited by 3 submitters); PubMed 25297594 (cited by Labcorp Genetics (formerly Invitae), Labcorp); PubMed 8962139 (cited by Labcorp Genetics (formerly Invitae), Labcorp); PubMed 10477432 (cited by Labcorp Genetics (formerly Invitae), Labcorp).

NM_000487.6(ARSA):c.622del (p.His208fs)

Gene: ARSA (arylsulfatase A; minus strand). Cytogenetic location: 22q13.33.
Variant type: Deletion.
Coding change: c.622del on transcript NM_000487.6 (MANE Select); coding-DNA position 622, one base deleted (C; older notation c.622delC).
Protein change: p.His208fs; shifts the reading frame from histidine 208.
Molecular consequence: frameshift variant.
Genome position (GRCh38, 1-based): chr22:50,626,896, G deleted on the plus strand (C on the coding strand, the reverse complement: ARSA is on the minus strand); the first of 3 consecutive G bases (chr22:50,626,896-50,626,898); deleting any one gives the same sequence. VCF-style (leftmost placement, unchanged base first): chr22-50626895-TG-T. GRCh37 (hg19) VCF-style: chr22-51065323-TG-T.
Other names: c.622del, p.His208fs (NM_001085425.3, NM_001085426.3, NM_001085427.3); c.364del, p.His122fs (NM_001085428.3, NM_001362782.2); c.622del (NM_000487.5); c.622delC (NM_000487.6); short protein forms H122fs, H208fs.
Identifiers: ClinVar variation 556571 (VCV000556571.16), dbSNP rs1555900900, ClinGen allele CA658824687.